The following is an entry in ClinVar:

ClinVar aggregate classification (germline): Uncertain significance (1 of 4 stars; one submission).

Conditions:
Malignant hyperthermia, susceptibility to, 1 (MHS1). Also called: RYR1-Related Malignant Hyperthermia Susceptibility; Anesthesia related hyperthermia; Malignant hyperpyrexia; Fulminating hyperpyrexia; Pharmacogenic myopathy; Malignant hyperthermia suceptibility 1. Identifiers: Orphanet 423, MedGen C2930980, MONDO:0007783, OMIM 145600.

Submission:

MVZ Medizinische Genetik Mainz
Classification: Uncertain significance for Malignant hyperthermia, susceptibility to, 1. Last evaluated: 2022-02-23. Review status: criteria provided, single submitter. Criteria: UK Practice Guidelines For Variant Classification V4 01 2020. Collection method: clinical testing. Allele origin: germline. Inheritance: Autosomal dominant inheritance. Affected: yes. Observed: 1 variant allele.
Comment: ACMG Criteria: PS4_MOD, PP3_MOD (ACMG Version 3)

NM_000540.3(RYR1):c.15060G>T (p.Trp5020Cys)

Gene: RYR1 (ryanodine receptor 1; plus strand). Cytogenetic location: 19q13.2.
Variant type: single nucleotide variant.
Coding change: c.15060G>T on transcript NM_000540.3 (MANE Select); coding-DNA position 15060, G replaced by T.
Protein change: p.Trp5020Cys; replaces tryptophan 5020 with cysteine.
Molecular consequence: missense variant.
Genome position (GRCh38, 1-based): chr19:38,587,363, G>T. VCF-style: chr19-38587363-G-T. GRCh37 (hg19) VCF-style: chr19-39078003-G-T.
Other names: c.15045G>T, p.Trp5015Cys (NM_001042723.2); short protein forms W5015C, W5020C.
Identifiers: ClinVar variation 3068327 (VCV003068327.1), dbSNP rs2145922066, ClinGen allele CA405694195.